The following is an entry in ClinVar:

ClinVar aggregate classification (germline): Conflicting classifications of pathogenicity. Review status: criteria provided, conflicting classifications (1 of 4 stars). 13 submissions from 12 submitters: Likely pathogenic (9); Uncertain significance (1). 3 of the submissions do not count toward it. Last evaluated 2026-09-19.

Conditions:
CHRNE-related disorder. Also called: CHRNE-related condition.
Congenital myasthenic syndrome 4B. Also called: Myasthenic syndrome, congenital, 4b, fast-channel. Identifiers: Orphanet 590, MedGen C4225369, MONDO:0014586, OMIM 616324.
Congenital myasthenic syndrome 4A. Also called: CONGENITAL MYASTHENIC SYNDROME TYPE Ia1; MYASTHENIC SYNDROME, CONGENITAL, 4A, SLOW-CHANNEL, AUTOSOMAL RECESSIVE; Myasthenic syndrome, congenital, 4a, slow-channel. Identifiers: Orphanet 590, MedGen C4225413, MONDO:0011600, OMIM 605809.
Congenital myasthenic syndrome 4C (CMS4C). Also called: Myasthenic syndrome, congenital, associated with acetylcholine receptor deficiency. Identifiers: Orphanet 590, MedGen C1837091, MONDO:0012157, OMIM 608931.
Congenital myasthenic syndrome (CMS). Also called: Congenital Myasthenic Syndromes. Identifiers: Orphanet 590, MedGen C0751882, MeSH D020294, MONDO:0018940.
Tip-toe gait. Also called: Toe walking. Identifiers: MedGen C0427144, HP:0030051.

Allele frequency attached by ClinVar (database versions not stated): TOPMed 0.00025; 1000 Genomes Project 30x 0.00031.
gnomAD v4.1: 783 of 1,612,372 alleles (0.049%); highest among the groups gnomAD compares: Non-Finnish European, 0.062%; no homozygotes.

Submissions (13):

GeneDx
Classification: Likely pathogenic. Last evaluated: 2026-09-19. Review status: criteria provided, single submitter. Criteria: GeneDx Variant Classification Process June 2021. Collection method: clinical testing. Allele origin: germline.
Comment: Published functional studies demonstrate a damaging effect with failure of protein product to assemble with the alpha subunit of the acetylcholine receptor (PMID: 8755487); In silico analysis supports that this missense variant has a deleterious effect on protein structure/function; Also known as p.S143L; This variant is associated with the following publications: (PMID: 32403337, 33199334, 37091313, 8755487, Thawanaphong2026[CaseReport], 21940170)

PreventionGenetics, part of Exact Sciences
Classification: Likely pathogenic for CHRNE-related condition. Last evaluated: 2026-03-03. Review status: criteria provided, single submitter. Criteria: ACMG Guidelines, 2015. Collection method: clinical testing. Allele origin: germline.
Comment: The CHRNE c.488C>T variant is predicted to result in the amino acid substitution p.Ser163Leu. This variant has previously been reported in the compound heterozygous state in two siblings with autosomal recessive fast-channel congenital myasthenic syndrome 4B, and functional studies support its pathogenicity (Ohno et al. 1996. PubMed: 8755487, reported as S143L). It is documented in an additional affected individual from a neuromuscular disorders patient cohort; however, zygosity of this variant and patient phenotype were not defined (Gonzalez-Quereda L et al 2020. PubMed ID: 32403337). This variant is reported in 0.047% of alleles in individuals of European (non-Finnish) descent in gnomAD, and the majority of ClinVar entries indicate this variant is likely pathogenic (Variation ID: 18360). This variant is interpreted as likely pathogenic.

Labcorp Genetics (formerly Invitae), Labcorp
Classification: Likely pathogenic for Congenital myasthenic syndrome 4A. Last evaluated: 2026-01-28. Review status: criteria provided, single submitter. Criteria: Invitae Variant Classification Sherloc (09022015). Collection method: clinical testing. Allele origin: germline.
Comment: This sequence change replaces serine, which is neutral and polar, with leucine, which is neutral and non-polar, at codon 163 of the CHRNE protein (p.Ser163Leu). This variant is present in population databases (rs121909516, gnomAD 0.05%). This missense change has been observed in individual(s) with autosomal recessive congenital myasthenic syndrome (PMID: 8755487). In at least one individual the data is consistent with being in trans (on the opposite chromosome) from a pathogenic variant. It has also been observed to segregate with disease in related individuals. This variant is also known as S143L. ClinVar contains an entry for this variant (Variation ID: 18360). Invitae Evidence Modeling of protein sequence and biophysical properties (such as structural, functional, and spatial information, amino acid conservation, physicochemical variation, residue mobility, and thermodynamic stability) has been performed for this missense variant. However, the output from this modeling did not meet the statistical confidence thresholds required to predict the impact of this variant on CHRNE protein function. Experimental studies have shown that this missense change affects CHRNE function (PMID: 8755487). In summary, the currently available evidence indicates that the variant is pathogenic, but additional data are needed to prove that conclusively. Therefore, this variant has been classified as Likely Pathogenic.

Natera, Inc.
Classification: Likely pathogenic for Congenital myasthenic syndrome. Last evaluated: 2025-12-26. Review status: criteria provided, single submitter. Criteria: Natera Variant Classification Schema (03/2026). Collection method: clinical testing. Allele origin: germline.
Comment: The c.488C>T variant in CHRNE is a missense variant predicted to cause substitution of serine to leucine at amino acid 163. This variant is rare in the general population with a frequency below the threshold expected for the associated phenotype(s). This variant has been observed in one or more individuals affected with the associated recessive disease, as either homozygous or compound heterozygous with a second variant (PMID: 8755487, 21940170). Additionally, this variant has been observed to segregate in affected family members (PMID: 8755487). Functional studies show that this variant may disrupt protein function (PMID: 8755487). Computational prediction algorithms indicate this variant is likely to affect gene or protein function. Given the available evidence, this variant is classified as Likely Pathogenic.

Mayo Clinic Laboratories, Mayo Clinic
Classification: Likely pathogenic. Last evaluated: 2025-07-30. Review status: criteria provided, single submitter. Criteria: ACMG Guidelines, 2015. Collection method: clinical testing. Allele origin: germline. Observed: 1 variant allele.
Comment: PP3_moderate, PM2_supporting, PM3, PS3

Revvity Omics, Revvity
Classification: Likely pathogenic. Last evaluated: 2024-11-17. Review status: criteria provided, single submitter. Criteria: ACMG Guidelines, 2015. Collection method: clinical testing. Allele origin: germline.

Blueprint Genetics
Classification: Uncertain significance. Last evaluated: 2024-08-30. Review status: criteria provided, single submitter. Criteria: ACMG Guidelines, 2015. Collection method: clinical testing. Allele origin: germline.

Fulgent Genetics
Classification: Likely pathogenic for Congenital myasthenic syndrome 4A; Congenital myasthenic syndrome 4C; Congenital myasthenic syndrome 4B. Last evaluated: 2024-03-29. Review status: criteria provided, single submitter. Criteria: ACMG Guidelines, 2015. Collection method: clinical testing. Allele origin: germline.

Baylor Genetics
Classification: Likely pathogenic for Congenital myasthenic syndrome 4A. Last evaluated: 2024-03-27. Review status: criteria provided, single submitter. Criteria: ACMG Guidelines, 2015. Collection method: clinical testing. Allele origin: unknown.

Baylor Genetics
Classification: Likely pathogenic for Congenital myasthenic syndrome 4C. Review status: criteria provided, single submitter. Criteria: ACMG Guidelines, 2015. Collection method: clinical testing. Allele origin: germline.

Practice for Gait Abnormalities, David Pomarino, Competency Network Toe Walking C/o Practice Pomarino
Classification: Likely pathogenic for Tip-toe gait. Last evaluated: 2020-11-12. Review status: no assertion criteria provided. Collection method: clinical testing. Allele origin: germline. Affected: yes. Not counted in ClinVar's aggregate classification.
Comment: Myopathy refers to diseases that affect skeletal Muscles. These diseases attack muscle fibers, making muscles weak. Inherited myopathies are often caused by inheriting an abnormal gene mutation from a parent that causes the disease. Symptoms of congenital myopathies usually start at birth or in early childhood, but may not appear until the teen years or even later in adulthood. Congenital myopathies are somewhat unique compared with other inherited myopathies, as weakness typically affects all muscles and is often not progressive. Symptoms are: Muscle weakness, most commonly of upper arms and shoulders and thighs, muscle cramps, stiffness and spasms, fatigue with exertion and lack of energy. Our patients all walk on tiptoe, so they show similar symptoms. When we genetically test them with our toe walking panel, we find that around 90 per cent of them have a genetic variant that explains their toe walking. These can be assigned, for example, to the area of myopathies (such as variants of the COL6A3 gene), the area of hereditary neuropathies (such as variants of the KMT2C gene) or the area of metabolic diseases (such as variants of the PYGM gene). In a smaller group of patients with almost identical symptoms, no abnormality is found in the genes of our panel, but spastic paraplegia can be detected. In another small group of our toe walkers, no abnormalities can be detected in the genes analysed in our toe walking panel, nor do they suffer from spastic paraplegia, as is also the case with healthy children. In contrast to these, however, they show a tiptoe gait. These patients suffer from infantile cerebral palsy, in which toe walking can also be observed.

OMIM
Classification: Pathogenic for MYASTHENIC SYNDROME, CONGENITAL, 4B, FAST-CHANNEL. Last evaluated: 1996-07-01. Review status: no assertion criteria provided. Collection method: literature only. Allele origin: germline. Not counted in ClinVar's aggregate classification.

Department of Pathology and Laboratory Medicine, Sinai Health System
Classification: Uncertain significance. Review status: flagged submission. Collection method: clinical testing. Allele origin: unknown. Affected: yes. Study: The Canadian Open Genetics Repository (COGR). Not counted in ClinVar's aggregate classification.
Comment: The CHRNE p.S163L variant was identified in the literature in two compound heterozygous siblings with congenital myasthenic syndrome (Ohno_1996_PMID:8755487).Â¬â€ The variant was identified in dbSNP (ID: rs121909516) and ClinVar (classified as uncertain significance by Invitae and Illumina; as likely pathogenic by GeneDx and Baylor Genetics; and as pathogenic by OMIM).Â¬â€ The variant was identified in control databases in 74 of 281378 chromosomes at a frequency of 0.0002630, and was observed at the highest frequency in the European (non-Finnish) population in 60 of 127756 chromosomes (freq: 0.0004696) (Genome Aggregation Database March 6, 2019, v2.1.1).Â¬â€ The p.S163 residue is conserved in mammals and computational analyses (MUT Assesor, PolyPhen-2, SIFT, MutationTaster, Revel, FATHMM, MetaLR, DANN) suggest that the variant may impact the protein; however, this information is not predictive enough to assume pathogenicity. Functional analysis of the p.S163L variant demonstrates reduced protein expression compared to wildtype and impaired acetylcholine receptor subunit assembly (Ohno_1996_PMID:8755487).Â¬â€ The variant occurs outside of the splicing consensus sequence and in silico or computational prediction software programs (Splice AI exome, Splice AI genome) do not predict a difference in splicing.Â¬â€ In summary, based on the above information the clinical significance of this variant cannot be determined with certainty at this time. This variant is classified as a variant of uncertain significance.
ClinVar note: Reason: Outlier claim with insufficient supporting evidence

Literature cited by the submitters: PubMed 8755487 (cited by 4 submitters); PubMed 21940170 (cited by Natera, Inc.); PubMed 32403337 (cited by Mayo Clinic Laboratories, Mayo Clinic); PubMed 33199334 (cited by Mayo Clinic Laboratories, Mayo Clinic); PubMed 37091313 (cited by Mayo Clinic Laboratories, Mayo Clinic and Practice for Gait Abnormalities, David Pomarino, Competency Network Toe Walking C/o Practice Pomarino).

NM_000080.4(CHRNE):c.488C>T (p.Ser163Leu)

Genes: C17orf107 (chromosome 17 open reading frame 107; plus strand), CHRNE (cholinergic receptor nicotinic epsilon subunit; minus strand). Cytogenetic location: 17p13.2.
Variant type: single nucleotide variant.
Coding change: c.488C>T on transcript NM_000080.4 (MANE Select); coding-DNA position 488, C replaced by T.
Protein change: p.Ser163Leu; replaces serine 163 with leucine.
Molecular consequence: missense variant. On other transcripts: 3 prime UTR variant (1).
Genome position (GRCh38, 1-based): chr17:4,901,944, G>A on the plus strand (C>T on the coding strand, the complement: CHRNE is on the minus strand). VCF-style: chr17-4901944-G-A. GRCh37 (hg19) VCF-style: chr17-4805239-G-A.
Other names: S143L; c.*1411G>A (NM_001145536.2); short protein forms S163L.
Identifiers: ClinVar variation 18360 (VCV000018360.35), dbSNP rs121909516, ClinGen allele CA128060.